The following is an entry in ClinVar:

ClinVar aggregate classification (germline): Uncertain significance (1 of 4 stars; one submission).

Conditions:
Neuropathy, hereditary sensory and autonomic, type 2A (HSAN2A). Also called: HSAN IIA; WNK1-Related HSAN2 (HSAN2A); ACROOSTEOLYSIS, GIACCAI TYPE; ACROOSTEOLYSIS, NEUROGENIC; MORVAN DISEASE; NEUROPATHY, CONGENITAL SENSORY. Identifiers: Orphanet 970, MedGen C2752089, MONDO:0024309, OMIM 201300.
Pseudohypoaldosteronism type 2C (PHA2C). Also called: Pseudohypoaldosteronism Type IIC. Identifiers: Orphanet 757, Orphanet 88940, MedGen C1840391, MONDO:0013778, OMIM 614492.

Allele frequency attached by ClinVar (database versions not stated): gnomAD exomes below 0.00001 and 0.00001; ExAC 0.00001; gnomAD 0.00001; TOPMed 0.00001.
gnomAD v4.1: 5 of 1,614,036 alleles (0.00031%); highest among the groups gnomAD compares: African/African-American, 0.0067%; no homozygotes.

Submission:

Labcorp Genetics (formerly Invitae), Labcorp
Classification: Uncertain significance for Neuropathy, hereditary sensory and autonomic, type 2A; Pseudohypoaldosteronism type 2C. Last evaluated: 2023-07-17. Review status: criteria provided, single submitter. Criteria: Invitae Variant Classification Sherloc (09022015). Collection method: clinical testing. Allele origin: germline.
Comment: This sequence change replaces serine, which is neutral and polar, with threonine, which is neutral and polar, at codon 1070 of the WNK1 protein (p.Ser1070Thr). This variant also falls at the last nucleotide of exon 13, which is part of the consensus splice site for this exon. This variant is present in population databases (rs760251215, gnomAD 0.007%). This variant has not been reported in the literature in individuals affected with WNK1-related conditions. ClinVar contains an entry for this variant (Variation ID: 471177). An algorithm developed to predict the effect of missense changes on protein structure and function (PolyPhen-2) suggests that this variant is likely to be disruptive. Variants that disrupt the consensus splice site are a relatively common cause of aberrant splicing (PMID: 17576681, 9536098). In summary, the available evidence is currently insufficient to determine the role of this variant in disease. Therefore, it has been classified as a Variant of Uncertain Significance.

Literature cited by the submitters: PubMed 17576681; PubMed 9536098.

NM_018979.4(WNK1):c.3209G>C (p.Ser1070Thr)

Gene: WNK1 (WNK lysine deficient protein kinase 1; plus strand). Cytogenetic location: 12p13.33.
Variant type: single nucleotide variant.
Coding change: c.3209G>C on transcript NM_018979.4 (MANE Select); coding-DNA position 3209, G replaced by C.
Protein change: p.Ser1070Thr; replaces serine 1070 with threonine.
Molecular consequence: missense variant.
Genome position (GRCh38, 1-based): chr12:881,789, G>C. VCF-style: chr12-881789-G-C. GRCh37 (hg19) VCF-style: chr12-990955-G-C.
Other names: c.3989G>C, p.Ser1330Thr (NM_001184985.2); c.2468G>C, p.Ser823Thr (NM_014823.3); c.3965G>C, p.Ser1322Thr (NM_213655.5); short protein forms S1322T, S1070T, S823T, S1330T.
Identifiers: ClinVar variation 471177 (VCV000471177.10), dbSNP rs760251215, ClinGen allele CA6382692.